The following is an entry in ClinVar:

NM_001048174.2(MUTYH):c.944T>C (p.Leu315Pro)

Gene: MUTYH (mutY DNA glycosylase; minus strand). Cytogenetic location: 1p34.1.
Variant type: single nucleotide variant.
Coding change: c.944T>C on transcript NM_001048174.2 (MANE Select); coding-DNA position 944, T replaced by C.
Protein change: p.Leu315Pro; replaces leucine 315 with proline.
Molecular consequence: missense variant. On other transcripts: non-coding transcript variant (2).
Genome position (GRCh38, 1-based): chr1:45,331,819, A>G on the plus strand (T>C on the coding strand, the complement: MUTYH is on the minus strand). VCF-style: chr1-45331819-A-G. GRCh37 (hg19) VCF-style: chr1-45797491-A-G.
Other names: c.944T>C, p.Leu315Pro (NM_001048171.2, NM_001048173.2, NM_001293195.2); c.947T>C, p.Leu316Pro (NM_001048172.2); c.1028T>C, p.Leu343Pro (NM_001128425.2); c.989T>C, p.Leu330Pro (NM_001293190.2); c.977T>C, p.Leu326Pro (NM_001293191.2); c.668T>C, p.Leu223Pro (NM_001293192.2, NM_001293196.2); c.599T>C, p.Leu200Pro (NM_001350650.2, NM_001350651.2); c.1019T>C, p.Leu340Pro (NM_012222.3); short protein forms L343P, L200P, L223P, L340P, L315P, L316P, L326P, L330P.
Identifiers: ClinVar variation 483901 (VCV000483901.11), dbSNP rs1553126942, ClinGen allele CA340133832.

ClinVar aggregate classification (germline): Conflicting classifications of pathogenicity. Review status: criteria provided, conflicting classifications (1 of 4 stars). 2 submissions from 2 submitters: Uncertain significance (1); Likely benign (1). Last evaluated 2025-09-24.

Conditions:
Hereditary cancer-predisposing syndrome. Also called: Hereditary neoplastic syndrome; Hereditary Cancer Syndrome; Neoplastic Syndromes, Hereditary; Tumor predisposition. Identifiers: Orphanet 140162, MedGen C0027672, MeSH D009386, MONDO:0015356.
Familial adenomatous polyposis 2. Also called: MYH-associated polyposis; COLORECTAL ADENOMATOUS POLYPOSIS, AUTOSOMAL RECESSIVE; ADENOMAS, MULTIPLE COLORECTAL, AUTOSOMAL RECESSIVE; MUTYH-related attenuated familial adenomatous polyposis; Adenomas, multiple colorectal; FAP type 2. Identifiers: Orphanet 220460, Orphanet 247798, MedGen C3272841, MONDO:0012041, OMIM 608456.

Submissions (2):

Labcorp Genetics (formerly Invitae), Labcorp
Classification: Uncertain significance for Familial adenomatous polyposis 2. Last evaluated: 2025-09-24. Review status: criteria provided, single submitter. Criteria: Invitae Variant Classification Sherloc (09022015). Collection method: clinical testing. Allele origin: germline.
Comment: This sequence change replaces leucine, which is neutral and non-polar, with proline, which is neutral and non-polar, at codon 343 of the MUTYH protein (p.Leu343Pro). This variant is not present in population databases (gnomAD no frequency). This variant has not been reported in the literature in individuals affected with MUTYH-related conditions. ClinVar contains an entry for this variant (Variation ID: 483901). An algorithm developed to predict the effect of missense changes on protein structure and function outputs the following: PolyPhen-2: "Benign". The proline amino acid residue is found in multiple mammalian species, which suggests that this missense change does not adversely affect protein function. In summary, the available evidence is currently insufficient to determine the role of this variant in disease. Therefore, it has been classified as a Variant of Uncertain Significance.

Ambry Genetics
Classification: Likely benign for Hereditary cancer-predisposing syndrome. Last evaluated: 2016-02-04. Review status: criteria provided, single submitter. Criteria: Ambry Variant Classification Scheme 2023. Collection method: clinical testing. Allele origin: germline.